The following is an entry in ClinVar:

NM_001903.5(CTNNA1):c.974C>A (p.Thr325Lys)

Gene: CTNNA1 (catenin alpha 1; plus strand). Cytogenetic location: 5q31.2.
Variant type: single nucleotide variant.
Coding change: c.974C>A on transcript NM_001903.5 (MANE Select); coding-DNA position 974, C replaced by A.
Protein change: p.Thr325Lys; replaces threonine 325 with lysine.
Molecular consequence: missense variant.
Genome position (GRCh38, 1-based): chr5:138,827,630, C>A. VCF-style: chr5-138827630-C-A. GRCh37 (hg19) VCF-style: chr5-138163319-C-A.
Other names: c.974C>A, p.Thr325Lys (NM_001290307.3, NM_001323982.2, NM_001323983.1 and 3 more transcripts); c.665C>A, p.Thr222Lys (NM_001290309.3); c.605C>A, p.Thr202Lys (NM_001290310.3); short protein forms T202K, T325K, T222K.
Identifiers: ClinVar variation 660355 (VCV000660355.8), dbSNP rs1581178471, ClinGen allele CA361131033.

ClinVar aggregate classification (germline): Uncertain significance (1 of 4 stars; one submission).

gnomAD v4.1: 1 of 1,614,194 alleles (0.000062%); highest among the groups gnomAD compares: South Asian, 0.0011%; no homozygotes.

Submission:

Labcorp Genetics (formerly Invitae), Labcorp
Classification: Uncertain significance. Last evaluated: 2020-01-11. Review status: criteria provided, single submitter. Criteria: Invitae Variant Classification Sherloc (09022015). Collection method: clinical testing. Allele origin: germline.
Comment: In summary, the available evidence is currently insufficient to determine the role of this variant in disease. Therefore, it has been classified as a Variant of Uncertain Significance. Algorithms developed to predict the effect of sequence changes on RNA splicing suggest that this variant may create or strengthen a splice site, but this prediction has not been confirmed by published transcriptional studies. Algorithms developed to predict the effect of missense changes on protein structure and function are either unavailable or do not agree on the potential impact of this missense change (SIFT: "Deleterious"; PolyPhen-2: "Probably Damaging"; Align-GVGD: "Class C0"). This variant has not been reported in the literature in individuals with CTNNA1-related disease. This variant is not present in population databases (ExAC no frequency). This sequence change replaces threonine with lysine at codon 325 of the CTNNA1 protein (p.Thr325Lys). The threonine residue is highly conserved and there is a moderate physicochemical difference between threonine and lysine.